The following is an entry in ClinVar:

NM_153026.3(PRICKLE1):c.108C>T (p.Val36=)

Gene: PRICKLE1 (prickle planar cell polarity protein 1; minus strand). Cytogenetic location: 12q12.
Variant type: single nucleotide variant.
Coding change: c.108C>T on transcript NM_153026.3 (MANE Select); coding-DNA position 108, C replaced by T.
Protein change: p.Val36=; no amino-acid change (valine 36 retained).
Molecular consequence: synonymous variant.
Genome position (GRCh38, 1-based): chr12:42,472,409, G>A on the plus strand (C>T on the coding strand, the complement: PRICKLE1 is on the minus strand). VCF-style: chr12-42472409-G-A. GRCh37 (hg19) VCF-style: chr12-42866211-G-A.
Other names: p.V36V:GTC>GTT; c.108C>T, p.Val36= (NM_001144881.2, NM_001144882.2, NM_001144883.2).
Identifiers: ClinVar variation 138802 (VCV000138802.59), dbSNP rs147268650, ClinGen allele CA302826.

ClinVar aggregate classification (germline): Benign/Likely benign. Review status: criteria provided, multiple submitters, no conflicts (2 of 4 stars). 9 submissions from 9 submitters: Benign (4); Likely benign (4). 1 of the submissions does not count toward it. Last evaluated 2026-07-01.

Conditions:
PRICKLE1-related disorder. Also called: PRICKLE1-related condition; PRICKLE1-Related Disorders. Identifiers: MedGen CN381536.
Epilepsy, progressive myoclonic, 1B. Also called: PME. Identifiers: Orphanet 308, MedGen C2676254, MONDO:0012904, OMIM 612437.

Allele frequency attached by ClinVar (database versions not stated): 1000 Genomes Project 30x 0.00203; 1000 Genomes Project 0.00220; gnomAD exomes 0.00329; gnomAD 0.00337 and 0.00376; ExAC 0.00345; TOPMed 0.00361; ESP Exome Variant Server 0.00369.
gnomAD v4.1: 7,345 of 1,614,088 alleles (0.46%); highest among the groups gnomAD compares: Middle Eastern, 0.58%; 24 homozygotes.

Submissions (9):

CeGaT Center for Human Genetics Tuebingen
Classification: Likely benign. Last evaluated: 2026-07-01. Review status: criteria provided, single submitter. Criteria: CeGaT Center For Human Genetics Tuebingen Variant Classification Criteria Version 2. Collection method: clinical testing. Allele origin: germline. Affected: yes. Observed: 27 variant alleles.
Comment: PRICKLE1: BP4, BP7, BS2

Labcorp Genetics (formerly Invitae), Labcorp
Classification: Benign for Epilepsy, progressive myoclonic, 1B. Last evaluated: 2026-02-03. Review status: criteria provided, single submitter. Criteria: Invitae Variant Classification Sherloc (09022015). Collection method: clinical testing. Allele origin: germline.

Blueprint Genetics
Classification: Likely benign. Last evaluated: 2024-11-25. Review status: criteria provided, single submitter. Criteria: ACMG Guidelines, 2015. Collection method: clinical testing. Allele origin: germline.

Athena Diagnostics
Classification: Benign. Last evaluated: 2016-11-11. Review status: criteria provided, single submitter. Criteria: Athena Diagnostics Criteria. Collection method: clinical testing. Allele origin: germline.

Ambry Genetics
Classification: Likely benign. Last evaluated: 2016-04-13. Review status: criteria provided, single submitter. Criteria: Ambry Variant Classification Scheme 2023. Collection method: clinical testing. Allele origin: germline.

Eurofins Ntd Llc (ga)
Classification: Benign. Last evaluated: 2016-01-07. Review status: criteria provided, single submitter. Criteria: EGL Classification Definitions 2015. Collection method: clinical testing. Allele origin: germline. Observed: 1 variant allele, 1 heterozygote.

GeneDx
Classification: Benign. Last evaluated: 2013-01-15. Review status: criteria provided, single submitter. Criteria: GeneDx Variant Classification (06012015). Collection method: clinical testing. Allele origin: germline. Affected: yes.
Comment: This variant is considered likely benign or benign based on one or more of the following criteria: it is a conservative change, it occurs at a poorly conserved position in the protein, it is predicted to be benign by multiple in silico algorithms, and/or has population frequency not consistent with disease.

Breakthrough Genomics
Classification: Likely benign. Review status: criteria provided, single submitter. Criteria: ACMG Guidelines, 2015. Collection method: not provided. Allele origin: germline. Inheritance: Autosomal recessive inheritance. Affected: yes.

PreventionGenetics, part of Exact Sciences
Classification: Likely benign for PRICKLE1-related condition. Last evaluated: 2019-04-01. Review status: no assertion criteria provided. Collection method: clinical testing. Allele origin: germline. Not counted in ClinVar's aggregate classification.
Comment: This variant is classified as likely benign based on ACMG/AMP sequence variant interpretation guidelines (Richards et al. 2015 PMID: 25741868, with internal and published modifications).